The following is an entry in ClinVar:

NM_002734.5(PRKAR1A):c.1042G>A (p.Val348Ile)

Gene: PRKAR1A (protein kinase cAMP-dependent type I regulatory subunit alpha; plus strand). Cytogenetic location: 17q24.2.
Variant type: single nucleotide variant.
Coding change: c.1042G>A on transcript NM_002734.5 (MANE Select); coding-DNA position 1042, G replaced by A.
Protein change: p.Val348Ile; replaces valine 348 with isoleucine.
Molecular consequence: missense variant. On other transcripts: intron variant (1).
Genome position (GRCh38, 1-based): chr17:68,530,345, G>A. VCF-style: chr17-68530345-G-A. GRCh37 (hg19) VCF-style: chr17-66526486-G-A.
Other names: p.Val348Ile; c.1042G>A, p.Val348Ile (NM_001276289.2, NM_001278433.2, NM_001369389.1 and 3 more transcripts); c.973+344G>A (NM_001276290.1); short protein forms V348I.
Identifiers: ClinVar variation 406174 (VCV000406174.21), dbSNP rs772571340, ClinGen allele CA8729459.

ClinVar aggregate classification (germline): Conflicting classifications of pathogenicity. Review status: criteria provided, conflicting classifications (1 of 4 stars). 5 submissions from 5 submitters: Uncertain significance (3); Likely benign (2). Last evaluated 2025-07-30.

Conditions:
Hereditary cancer-predisposing syndrome. Also called: Hereditary Cancer Syndrome; Hereditary neoplastic syndrome; Neoplastic Syndromes, Hereditary; Tumor predisposition. Identifiers: Orphanet 140162, MedGen C0027672, MeSH D009386, MONDO:0015356.
Carney complex, type 1 (CNC1). Also called: CARNEY MYXOMA-ENDOCRINE COMPLEX; CARNEY COMPLEX, TYPE I. Identifiers: Orphanet 1359, MedGen C2607929, MONDO:0008057, OMIM 160980.

Allele frequency attached by ClinVar (database versions not stated): gnomAD exomes 0.00002 and 0.00004; ExAC 0.00003; TOPMed 0.00005; gnomAD 0.00006.
gnomAD v4.1: 66 of 1,613,958 alleles (0.0041%); highest among the groups gnomAD compares: Non-Finnish European, 0.0053%; no homozygotes.

Submissions (5):

Mayo Clinic Laboratories, Mayo Clinic
Classification: Uncertain significance. Last evaluated: 2025-07-30. Review status: criteria provided, single submitter. Criteria: ACMG Guidelines, 2015. Collection method: clinical testing. Allele origin: germline. Observed: 1 variant allele.

Labcorp Genetics (formerly Invitae), Labcorp
Classification: Uncertain significance for Carney complex, type 1. Last evaluated: 2025-01-19. Review status: criteria provided, single submitter. Criteria: Invitae Variant Classification Sherloc (09022015). Collection method: clinical testing. Allele origin: germline.
Comment: This sequence change replaces valine, which is neutral and non-polar, with isoleucine, which is neutral and non-polar, at codon 348 of the PRKAR1A protein (p.Val348Ile). This variant is present in population databases (rs772571340, gnomAD 0.005%). This variant has not been reported in the literature in individuals affected with PRKAR1A-related conditions. ClinVar contains an entry for this variant (Variation ID: 406174). Invitae Evidence Modeling of protein sequence and biophysical properties (such as structural, functional, and spatial information, amino acid conservation, physicochemical variation, residue mobility, and thermodynamic stability) indicates that this missense variant is not expected to disrupt PRKAR1A protein function with a negative predictive value of 95%. In summary, the available evidence is currently insufficient to determine the role of this variant in disease. Therefore, it has been classified as a Variant of Uncertain Significance.

Women's Health and Genetics/Laboratory Corporation of America, LabCorp
Classification: Likely benign. Last evaluated: 2024-03-18. Review status: criteria provided, single submitter. Criteria: LabCorp Variant Classification Summary - May 2015. Collection method: clinical testing. Allele origin: germline.
Comment: Variant summary: PRKAR1A c.1042G>A (p.Val348Ile) results in a conservative amino acid change located in the Cyclic nucleotide-binding domain of the encoded protein sequence. Three of five in-silico tools predict a benign effect of the variant on protein function. The variant allele was found at a frequency of 4.1e-05 in 1613958 control chromosomes. The observed variant frequency is approximately 21.81 fold of the estimated maximal expected allele frequency for a pathogenic variant in PRKAR1A causing Carney Complex phenotype (1.9e-06), strongly suggesting that the variant is benign. To our knowledge, no occurrence of c.1042G>A in individuals affected with Carney Complex and no experimental evidence demonstrating its impact on protein function have been reported. ClinVar contains an entry for this variant (Variation ID: 406174). Based on the evidence outlined above, the variant was classified as likely benign.

GeneDx
Classification: Uncertain significance. Last evaluated: 2023-10-16. Review status: criteria provided, single submitter. Criteria: GeneDx Variant Classification Process June 2021. Collection method: clinical testing. Allele origin: germline. Affected: yes.
Comment: In silico analysis supports that this missense variant does not alter protein structure/function; Has not been previously published as pathogenic or benign to our knowledge; This variant is associated with the following publications: (PMID: 28481359, 24363928)

Ambry Genetics
Classification: Likely benign for Hereditary cancer-predisposing syndrome. Last evaluated: 2022-12-14. Review status: criteria provided, single submitter. Criteria: Ambry Variant Classification Scheme 2023. Collection method: clinical testing. Allele origin: germline.